The following is an entry in ClinVar:

NM_006755.2(TALDO1):c.835+7C>A

Gene: TALDO1 (transaldolase 1; plus strand). Cytogenetic location: 11p15.5.
Variant type: single nucleotide variant.
Coding change: c.835+7C>A on transcript NM_006755.2 (MANE Select); 7 bases into the intron after coding-DNA position 835, C replaced by A.
Molecular consequence: intron variant.
Genome position (GRCh38, 1-based): chr11:763,951, C>A. VCF-style: chr11-763951-C-A. GRCh37 (hg19) VCF-style: chr11-763951-C-A.
Other names: c.835+7C>A (NM_006755.1).
Identifiers: ClinVar variation 1653549 (VCV001653549.10), dbSNP rs367601205, ClinGen allele CA5788309.
Genomic context (GRCh38, chr11:763,951, plus strand): 5'-GAGAGCTGCTGCAGGACAACGCCAAGCTGGTGCCTGTGCTCTCAGCCAAGGCGGGTGAGG[C>A]CCCACTGCCCAGCTGTGGCTCCTGCTCGGGCAAGGCCAGCACTGCCGTGCCACGCTGCCC-3'

ClinVar aggregate classification (germline): Likely benign. Review status: criteria provided, single submitter (1 of 4 stars). 2 submissions from 2 submitters: Likely benign (1). 1 of the submissions does not count toward it. Last evaluated 2025-07-06.

Conditions:
TALDO1-related disorder. Also called: TALDO1-related condition.

Allele frequency attached by ClinVar (database versions not stated): ExAC 0.00001; gnomAD 0.00001; gnomAD exomes 0.00001 and 0.00002; TOPMed 0.00002.
gnomAD v4.1: 22 of 1,606,010 alleles (0.0014%); highest among the groups gnomAD compares: East Asian, 0.0045%; no homozygotes.

Submissions (2):

Labcorp Genetics (formerly Invitae), Labcorp
Classification: Likely benign. Last evaluated: 2025-07-06. Review status: criteria provided, single submitter. Criteria: Invitae Variant Classification Sherloc (09022015). Collection method: clinical testing. Allele origin: germline.

PreventionGenetics, part of Exact Sciences
Classification: Likely benign for TALDO1-related condition. Last evaluated: 2022-12-21. Review status: no assertion criteria provided. Collection method: clinical testing. Allele origin: germline. Not counted in ClinVar's aggregate classification.
Comment: This variant is classified as likely benign based on ACMG/AMP sequence variant interpretation guidelines (Richards et al. 2015 PMID: 25741868, with internal and published modifications).